The following is an entry in ClinVar:

ClinVar aggregate classification (germline): Uncertain significance (1 of 4 stars; one submission).

Submission:

Labcorp Genetics (formerly Invitae), Labcorp
Classification: Uncertain significance. Last evaluated: 2022-02-04. Review status: criteria provided, single submitter. Criteria: Invitae Variant Classification Sherloc (09022015). Collection method: clinical testing. Allele origin: germline.
Comment: Algorithms developed to predict the effect of missense changes on protein structure and function output the following: SIFT: "Deleterious"; PolyPhen-2: "Benign"; Align-GVGD: "Class C25". The isoleucine amino acid residue is found in multiple mammalian species, which suggests that this missense change does not adversely affect protein function. This variant has not been reported in the literature in individuals affected with RP1-related conditions. This variant is not present in population databases (gnomAD no frequency). This sequence change replaces valine, which is neutral and non-polar, with isoleucine, which is neutral and non-polar, at codon 475 of the RP1 protein (p.Val475Ile). In summary, the available evidence is currently insufficient to determine the role of this variant in disease. Therefore, it has been classified as a Variant of Uncertain Significance.

NM_006269.2(RP1):c.1423G>A (p.Val475Ile)

Gene: RP1 (RP1 axonemal microtubule associated; plus strand). Cytogenetic location: 8q12.1.
Variant type: single nucleotide variant.
Coding change: c.1423G>A on transcript NM_006269.2 (MANE Select); coding-DNA position 1423, G replaced by A.
Protein change: p.Val475Ile; replaces valine 475 with isoleucine.
Molecular consequence: missense variant. On other transcripts: intron variant (1).
Genome position (GRCh38, 1-based): chr8:54,625,305, G>A. VCF-style: chr8-54625305-G-A. GRCh37 (hg19) VCF-style: chr8-55537865-G-A.
Other names: c.787+3017G>A (NM_001375654.1); short protein forms V475I.
Identifiers: ClinVar variation 1507136 (VCV001507136.8), dbSNP rs1806003464, ClinGen allele CA370990297.